The following is an entry in ClinVar:

ClinVar aggregate classification (germline): Uncertain significance (1 of 4 stars; one submission).

Conditions:
Inborn genetic diseases. Identifiers: MedGen C0950123, MeSH D030342.

Submission:

Ambry Genetics
Classification: Uncertain significance for Inborn genetic diseases. Last evaluated: 2018-01-26. Review status: criteria provided, single submitter. Criteria: Ambry Variant Classification Scheme 2023. Collection method: clinical testing. Allele origin: germline.
Comment: The c.1500_1508delCGTGTGTGG variant (also known as p.V501_G503del) is located in coding exon 13 of the NSUN2 gene. This variant results from an in-frame CGTGTGTGG deletion at nucleotide positions 1500 to 1508. This results in the in-frame deletion of a at codon 501. These amino acid positions are highly conserved in available vertebrate species. Since supporting evidence is limited at this time, the clinical significance of this alteration remains unclear.

NM_017755.6(NSUN2):c.1500_1508del (p.Val501_Gly503del)

Gene: NSUN2 (NOP2/Sun RNA methyltransferase 2; minus strand). Cytogenetic location: 5p15.31.
Variant type: Deletion.
Coding change: c.1500_1508del on transcript NM_017755.6 (MANE Select); coding-DNA positions 1500 to 1508, 9 bases deleted (CGTGTGTGG; older notation c.1500_1508delCGTGTGTGG).
Protein change: p.Val501_Gly503del.
Molecular consequence: inframe deletion. On other transcripts: non-coding transcript variant (1).
Genome position (GRCh38, 1-based): chr5:6,607,200-6,607,208, CCACACACG deleted on the plus strand (CGTGTGTGG on the coding strand, the reverse complement: NSUN2 is on the minus strand); deleting any 9 consecutive bases within chr5:6,607,200-6,607,211 gives the same sequence; the c. name uses the placement nearest the transcript's 3' end. VCF-style (leftmost placement, unchanged base first): chr5-6607199-CCCACACACG-C. GRCh37 (hg19) VCF-style: chr5-6607312-CCCACACACG-C.
Other names: c.1395_1403del, p.Val466_Gly468del (NM_001193455.2).
Identifiers: ClinVar variation 1773997 (VCV001773997.2), dbSNP rs748211568, ClinGen allele CA3192425.
Genomic context (GRCh38, chr5:6,607,199, plus strand): 5'-TAATCCAAAAGGACTGTGAAGACACCAGCGTATTAGATCAAGACATAACCACTTTTCTTA[CCCACACACG>C]CCATCTTTCTTACTGCCATTATTCTCTAAATCCTCAGTTGCATGAGCTATTTCTGTGTCA-3'